The following is an entry in ClinVar:

NM_017950.4(CCDC40):c.552+6T>A

Gene: CCDC40 (coiled-coil domain 40 molecular ruler complex subunit; plus strand). Cytogenetic location: 17q25.3.
Variant type: single nucleotide variant.
Coding change: c.552+6T>A on transcript NM_017950.4 (MANE Select); 6 bases into the intron after coding-DNA position 552, T replaced by A.
Molecular consequence: intron variant.
Genome position (GRCh38, 1-based): chr17:80,040,276, T>A. VCF-style: chr17-80040276-T-A. GRCh37 (hg19) VCF-style: chr17-78014075-T-A.
Other names: c.552+6T>A (NM_001243342.2, NM_001330508.2).
Identifiers: ClinVar variation 1002411 (VCV001002411.8), dbSNP rs2037242845, ClinGen allele CA2277778941.

ClinVar aggregate classification (germline): Uncertain significance (1 of 4 stars; one submission).

Conditions:
Primary ciliary dyskinesia. Also called: Ciliary dyskinesia. Identifiers: Orphanet 244, MedGen C0008780, MONDO:0016575, HP:0012265.

Allele frequency attached by ClinVar (database versions not stated): gnomAD exomes below 0.00001.
gnomAD v4.1: 3 of 1,612,084 alleles (0.00019%); highest among the groups gnomAD compares: Non-Finnish European, 0.00025%; no homozygotes.

Submissions (2):

Labcorp Genetics (formerly Invitae), Labcorp
Classification: Uncertain significance for Primary ciliary dyskinesia. Last evaluated: 2018-03-13. Review status: criteria provided, single submitter. Criteria: Invitae Variant Classification Sherloc (09022015). Collection method: clinical testing. Allele origin: germline.
Comment: In summary, the available evidence is currently insufficient to determine the role of this variant in disease. Therefore, it has been classified as a Variant of Uncertain Significance. Nucleotide substitutions within the consensus splice site are a relatively common cause of aberrant splicing (PMID: 17576681, 9536098). Algorithms developed to predict the effect of sequence changes on RNA splicing suggest that this variant may disrupt the consensus splice site, but this prediction has not been confirmed by published transcriptional studies. This variant has not been reported in the literature in individuals with CCDC40-related disease. This variant is not present in population databases (ExAC no frequency). This sequence change falls in intron 3 of the CCDC40 gene. It does not directly change the encoded amino acid sequence of the CCDC40 protein, but it affects a nucleotide within the consensus splice site of the intron.

Dr. Peter K. Rogan Lab, Western University
No classification provided (evidence only). Condition: Ovarian serous cystadenocarcinoma. Review status: no classification provided. Collection method: in vitro. Allele origin: not applicable. Functional consequence: retained intron. Not counted in ClinVar's aggregate classification.

Literature cited by the submitters: PubMed 17576681 (cited by Labcorp Genetics (formerly Invitae), Labcorp); PubMed 9536098 (cited by Labcorp Genetics (formerly Invitae), Labcorp).